The following is an entry in ClinVar:

ClinVar aggregate classification (germline): Uncertain significance (1 of 4 stars; one submission).

Conditions:
Mitochondrial trifunctional protein deficiency. Identifiers: Orphanet 746, MedGen C1969443, MONDO:0012172.
Long chain 3-hydroxyacyl-CoA dehydrogenase deficiency. Also called: Deficiency of long-chain 3-hydroxyacyl-coenzyme A dehydrogenase; LCHAD Deficiency. Identifiers: Orphanet 5, MedGen C3711645, MONDO:0012173, OMIM 609016.

Allele frequency attached by ClinVar (database versions not stated): gnomAD exomes below 0.00001; TOPMed below 0.00001; gnomAD 0.00001.
gnomAD v4.1: 7 of 1,609,668 alleles (0.00043%); highest among the groups gnomAD compares: East Asian, 0.0045%; no homozygotes.

Submission:

Labcorp Genetics (formerly Invitae), Labcorp
Classification: Uncertain significance for Mitochondrial trifunctional protein deficiency; Long chain 3-hydroxyacyl-CoA dehydrogenase deficiency. Last evaluated: 2022-08-19. Review status: criteria provided, single submitter. Criteria: Invitae Variant Classification Sherloc (09022015). Collection method: clinical testing. Allele origin: germline.
Comment: This sequence change replaces isoleucine, which is neutral and non-polar, with methionine, which is neutral and non-polar, at codon 237 of the HADHA protein (p.Ile237Met). This variant is present in population databases (no rsID available, gnomAD 0.003%). This variant has not been reported in the literature in individuals affected with HADHA-related conditions. Advanced modeling of protein sequence and biophysical properties (such as structural, functional, and spatial information, amino acid conservation, physicochemical variation, residue mobility, and thermodynamic stability) performed at Invitae indicates that this missense variant is not expected to disrupt HADHA protein function. In summary, the available evidence is currently insufficient to determine the role of this variant in disease. Therefore, it has been classified as a Variant of Uncertain Significance.

NM_000182.5(HADHA):c.711A>G (p.Ile237Met)

Gene: HADHA (hydroxyacyl-CoA dehydrogenase trifunctional multienzyme complex subunit alpha; minus strand). Cytogenetic location: 2p23.3.
Variant type: single nucleotide variant.
Coding change: c.711A>G on transcript NM_000182.5 (MANE Select); coding-DNA position 711, A replaced by G.
Protein change: p.Ile237Met; replaces isoleucine 237 with methionine.
Molecular consequence: missense variant.
Genome position (GRCh38, 1-based): chr2:26,215,141, T>C on the plus strand (A>G on the coding strand, the complement: HADHA is on the minus strand). VCF-style: chr2-26215141-T-C. GRCh37 (hg19) VCF-style: chr2-26438010-T-C.
Other names: short protein forms I237M.
Identifiers: ClinVar variation 2166553 (VCV002166553.1), dbSNP rs1221407458, ClinGen allele CA346091634.